The following is an entry in ClinVar:

NM_032242.4(PLXNA1):c.100G>A (p.Gly34Ser)

Gene: PLXNA1 (plexin A1; plus strand). Cytogenetic location: 3q21.3.
Variant type: single nucleotide variant.
Coding change: c.100G>A on transcript NM_032242.4 (MANE Select); coding-DNA position 100, G replaced by A.
Protein change: p.Gly34Ser; replaces glycine 34 with serine.
Molecular consequence: missense variant.
Genome position (GRCh38, 1-based): chr3:126,988,693, G>A. VCF-style: chr3-126988693-G-A. GRCh37 (hg19) VCF-style: chr3-126707536-G-A.
Other names: short protein forms G34S.
Identifiers: ClinVar variation 4988214 (VCV004988214.1).

ClinVar aggregate classification (germline): Uncertain significance (1 of 4 stars; one submission).

Conditions:
PLXNA1-related disorder. Also called: PLXNA1-related condition.

gnomAD v4.1: 1 of 1,575,024 alleles (0.000063%); highest among the groups gnomAD compares: Non-Finnish European, 0.000086%; no homozygotes.

Submission:

PreventionGenetics, part of Exact Sciences
Classification: Uncertain significance for PLXNA1-related condition. Last evaluated: 2026-06-25. Review status: criteria provided, single submitter. Criteria: ACMG Guidelines, 2015. Collection method: clinical testing. Allele origin: germline.
Comment: The PLXNA1 c.100G>A variant is predicted to result in the amino acid substitution p.Gly34Ser. To our knowledge, this variant has not been reported in the literature or in a large population database (gnomAD), indicating this variant is rare. At this time, the clinical significance of this variant is uncertain due to the absence of conclusive functional and genetic evidence.